The following is an entry in ClinVar:

ClinVar aggregate classification (germline): Benign/Likely benign. Review status: criteria provided, multiple submitters, no conflicts (2 of 4 stars). 4 submissions from 4 submitters: Benign (1); Likely benign (3). Last evaluated 2026-01-28.

Conditions:
Intestinal hypomagnesemia 1. Also called: HYPOMAGNESEMIA, INTESTINAL, WITH SECONDARY HYPOCALCEMIA; HYPOMAGNESEMIC TETANY. Identifiers: Orphanet 30924, MedGen C1865974, MONDO:0011176, OMIM 602014.

Allele frequency attached by ClinVar (database versions not stated): gnomAD exomes 0.00105 and 0.00269; ExAC 0.00313; 1000 Genomes Project 0.00879; 1000 Genomes Project 30x 0.00999; gnomAD 0.01027 and 0.01104; ESP Exome Variant Server 0.01146; TOPMed 0.01155.
gnomAD v4.1: 3,157 of 1,613,858 alleles (0.2%); highest among the groups gnomAD compares: African/African-American, 3.6%; 48 homozygotes.

Submissions (4):

Labcorp Genetics (formerly Invitae), Labcorp
Classification: Benign. Last evaluated: 2026-01-28. Review status: criteria provided, single submitter. Criteria: Invitae Variant Classification Sherloc (09022015). Collection method: clinical testing. Allele origin: germline.

Fulgent Genetics
Classification: Likely benign for Intestinal hypomagnesemia 1. Last evaluated: 2021-07-28. Review status: criteria provided, single submitter. Criteria: ACMG Guidelines, 2015. Collection method: clinical testing. Allele origin: unknown.

Illumina Laboratory Services, Illumina
Classification: Likely benign for Intestinal hypomagnesemia 1. Last evaluated: 2017-04-27. Review status: criteria provided, single submitter. Criteria: ICSL Variant Classification Criteria 13 December 2019. Collection method: clinical testing. Allele origin: germline.
Comment: This variant was observed as part of a predisposition screen in an ostensibly healthy population. A literature search was performed for the gene, cDNA change, and amino acid change (where applicable). No publications were found based on this search. Allele frequency data from public databases allowed determination this variant is unlikely to cause disease. Therefore, this variant is classified as likely benign.

Breakthrough Genomics
Classification: Likely benign. Review status: criteria provided, single submitter. Criteria: ACMG Guidelines, 2015. Collection method: not provided. Allele origin: germline. Inheritance: Autosomal recessive inheritance. Affected: yes.

NM_017662.5(TRPM6):c.2428C>T (p.Leu810=)

Gene: TRPM6 (transient receptor potential cation channel subfamily M member 6; minus strand). Cytogenetic location: 9q21.13.
Variant type: single nucleotide variant.
Coding change: c.2428C>T on transcript NM_017662.5 (MANE Select); coding-DNA position 2428, C replaced by T.
Protein change: p.Leu810=; no amino-acid change (leucine 810 retained).
Molecular consequence: synonymous variant.
Genome position (GRCh38, 1-based): chr9:74,792,734, G>A on the plus strand (C>T on the coding strand, the complement: TRPM6 is on the minus strand). VCF-style: chr9-74792734-G-A. GRCh37 (hg19) VCF-style: chr9-77407650-G-A.
Other names: c.2413C>T, p.Leu805= (NM_001177310.2, NM_001177311.2).
Identifiers: ClinVar variation 367316 (VCV000367316.16), dbSNP rs55956641, ClinGen allele CA5084560.
Genomic context (GRCh38, chr9:74,792,734, plus strand): 5'-TCCTGGTCCACGGAAGGTGTTGGTGCCCACTTTCCAAACCAAAATGCTGATTTTCATCCA[G>A]TTTCTCATCATGGCCCCTTTCCAAATCATACTCTTTCTATAAAATAAACAAATAATCATT-3'
Protein context (NP_060132.3, residues 800-820): YDLERGHDEK[Leu810=]DENQHFGLES